The following is an entry in ClinVar:

ClinVar aggregate classification (germline): Uncertain significance (1 of 4 stars; one submission).

Allele frequency attached by ClinVar (database versions not stated): ExAC 0.00001.
gnomAD v4.1: 1 of 1,590,020 alleles (0.000063%); highest among the groups gnomAD compares: East Asian, 0.0023%; no homozygotes.

Submission:

Labcorp Genetics (formerly Invitae), Labcorp
Classification: Uncertain significance. Last evaluated: 2024-01-11. Review status: criteria provided, single submitter. Criteria: Invitae Variant Classification Sherloc (09022015). Collection method: clinical testing. Allele origin: germline.
Comment: This sequence change replaces aspartic acid, which is acidic and polar, with glutamic acid, which is acidic and polar, at codon 559 of the TNNI3K protein (p.Asp559Glu). This variant is present in population databases (rs763717589, gnomAD 0.006%). This variant has not been reported in the literature in individuals affected with TNNI3K-related conditions. ClinVar contains an entry for this variant (Variation ID: 1943889). Advanced modeling of protein sequence and biophysical properties (such as structural, functional, and spatial information, amino acid conservation, physicochemical variation, residue mobility, and thermodynamic stability) performed at Invitae indicates that this missense variant is not expected to disrupt TNNI3K protein function with a negative predictive value of 80%. In summary, the available evidence is currently insufficient to determine the role of this variant in disease. Therefore, it has been classified as a Variant of Uncertain Significance.

NM_015978.3(TNNI3K):c.1677T>A (p.Asp559Glu)

Genes: FPGT-TNNI3K (FPGT-TNNI3K readthrough; plus strand), TNNI3K (TNNI3 interacting kinase; plus strand). Cytogenetic location: 1p31.1.
Variant type: single nucleotide variant.
Coding change: c.1677T>A on transcript NM_015978.3 (MANE Select); coding-DNA position 1677, T replaced by A.
Protein change: p.Asp559Glu; replaces aspartic acid 559 with glutamic acid.
Molecular consequence: missense variant.
Genome position (GRCh38, 1-based): chr1:74,370,297, T>A. VCF-style: chr1-74370297-T-A. GRCh37 (hg19) VCF-style: chr1-74835981-T-A.
Other names: c.1980T>A, p.Asp660Glu (NM_001112808.3, NM_001199327.2); short protein forms D660E, D559E.
Identifiers: ClinVar variation 1943889 (VCV001943889.5), dbSNP rs763717589, ClinGen allele CA909372.